The following is an entry in ClinVar:

ClinVar aggregate classification (germline): Uncertain significance (1 of 4 stars; one submission).

Conditions:
Primary ciliary dyskinesia. Also called: Ciliary dyskinesia. Identifiers: Orphanet 244, MedGen C0008780, MONDO:0016575, HP:0012265.

Allele frequency attached by ClinVar (database versions not stated): gnomAD exomes below 0.00001.
gnomAD v4.1: 3 of 1,613,640 alleles (0.00019%); highest among the groups gnomAD compares: Non-Finnish European, 0.00025%; no homozygotes.

Submission:

Labcorp Genetics (formerly Invitae), Labcorp
Classification: Uncertain significance for Primary ciliary dyskinesia. Last evaluated: 2022-02-24. Review status: criteria provided, single submitter. Criteria: Invitae Variant Classification Sherloc (09022015). Collection method: clinical testing. Allele origin: germline.
Comment: In summary, the available evidence is currently insufficient to determine the role of this variant in disease. Therefore, it has been classified as a Variant of Uncertain Significance. Advanced modeling of protein sequence and biophysical properties (such as structural, functional, and spatial information, amino acid conservation, physicochemical variation, residue mobility, and thermodynamic stability) performed at Invitae indicates that this missense variant is not expected to disrupt DNAH11 protein function. This variant has not been reported in the literature in individuals affected with DNAH11-related conditions. This variant is not present in population databases (gnomAD no frequency). This sequence change replaces alanine, which is neutral and non-polar, with valine, which is neutral and non-polar, at codon 2869 of the DNAH11 protein (p.Ala2869Val).

NM_001277115.2(DNAH11):c.8606C>T (p.Ala2869Val)

Gene: DNAH11 (dynein axonemal heavy chain 11; plus strand). Cytogenetic location: 7p15.3.
Variant type: single nucleotide variant.
Coding change: c.8606C>T on transcript NM_001277115.2 (MANE Select); coding-DNA position 8606, C replaced by T.
Protein change: p.Ala2869Val; replaces alanine 2869 with valine.
Molecular consequence: missense variant.
Genome position (GRCh38, 1-based): chr7:21,748,675, C>T. VCF-style: chr7-21748675-C-T. GRCh37 (hg19) VCF-style: chr7-21788293-C-T.
Other names: short protein forms A2869V.
Identifiers: ClinVar variation 1417462 (VCV001417462.6), dbSNP rs2128492615, ClinGen allele CA366955296.